The following is an entry in ClinVar:

NM_144973.4(DENND5B):c.1858G>A (p.Ala620Thr)

Gene: DENND5B (DENN domain containing 5B; minus strand). Cytogenetic location: 12p11.21.
Variant type: single nucleotide variant.
Coding change: c.1858G>A on transcript NM_144973.4 (MANE Select); coding-DNA position 1858, G replaced by A.
Protein change: p.Ala620Thr; replaces alanine 620 with threonine.
Molecular consequence: missense variant.
Genome position (GRCh38, 1-based): chr12:31,447,541, C>T on the plus strand (G>A on the coding strand, the complement: DENND5B is on the minus strand). VCF-style: chr12-31447541-C-T. GRCh37 (hg19) VCF-style: chr12-31600475-C-T.
Other names: c.1963G>A, p.Ala655Thr (NM_001308339.2); c.1924G>A, p.Ala642Thr (NM_001366890.1); short protein forms A620T, A642T, A655T.
Identifiers: ClinVar variation 4529606 (VCV004529606.1).
Genomic context (GRCh38, chr12:31,447,541, plus strand): 5'-TGTGGGAAAAAAGCGATAATGGATTTTAATTTAATTTAAAAGGCATGGCAAATGTACCTG[C>T]TTCTTTTAAAGTGCTGCATTTCTGATATATAGATGTCCGCAAGGTGGGTGCCCTTACATT-3'
Protein context (NP_659410.3, residues 610-630): IYQKCSTLKE[Ala620Thr]AQSIEQRLMK

ClinVar aggregate classification (germline): Uncertain significance (1 of 4 stars; one submission).

gnomAD v4.1: 1 of 1,601,806 alleles (0.000062%); highest among the groups gnomAD compares: Non-Finnish European, 0.000085%; no homozygotes.

Submission:

GeneDx
Classification: Uncertain significance. Last evaluated: 2025-05-16. Review status: criteria provided, single submitter. Criteria: GeneDx Variant Classification Process June 2021. Collection method: clinical testing. Allele origin: germline. Affected: yes.
Comment: Not observed at significant frequency in large population cohorts (gnomAD); In silico analysis suggests that this missense variant does not alter protein structure/function; Has not been previously published as pathogenic or benign to our knowledge